The following is an entry in ClinVar:

ClinVar aggregate classification (germline): Uncertain significance (1 of 4 stars; one submission).

Allele frequency attached by ClinVar (database versions not stated): TOPMed below 0.00001.

Submission:

Ambry Genetics
Classification: Uncertain significance. Last evaluated: 2023-08-03. Review status: criteria provided, single submitter. Criteria: Ambry Variant Classification Scheme 2023. Collection method: clinical testing. Allele origin: germline.
Comment: The p.V86A variant (also known as c.257T>C), located in coding exon 3 of the RECQL gene, results from a T to C substitution at nucleotide position 257. The valine at codon 86 is replaced by alanine, an amino acid with similar properties. This amino acid position is conserved. In addition, this alteration is predicted to be tolerated by in silico analysis. Since supporting evidence is limited at this time, the clinical significance of this alteration remains unclear.

NM_002907.4(RECQL):c.257T>C (p.Val86Ala)

Gene: RECQL (RecQ like helicase; minus strand). Cytogenetic location: 12p12.1.
Variant type: single nucleotide variant.
Coding change: c.257T>C on transcript NM_002907.4 (MANE Select); coding-DNA position 257, T replaced by C.
Protein change: p.Val86Ala; replaces valine 86 with alanine.
Molecular consequence: missense variant.
Genome position (GRCh38, 1-based): chr12:21,490,336, A>G on the plus strand (T>C on the coding strand, the complement: RECQL is on the minus strand). VCF-style: chr12-21490336-A-G. GRCh37 (hg19) VCF-style: chr12-21643270-A-G.
Other names: c.257T>C, p.Val86Ala (NM_032941.3); short protein forms V86A.
Identifiers: ClinVar variation 2586013 (VCV002586013.2), dbSNP rs1336552652, ClinGen allele CA384133338.